The following is an entry in ClinVar:

NM_001164508.2(NEB):c.12208G>A (p.Ala4070Thr)

Gene: NEB (nebulin; minus strand). Cytogenetic location: 2q23.3.
Variant type: single nucleotide variant.
Coding change: c.12208G>A on transcript NM_001164508.2 (MANE Select); coding-DNA position 12208, G replaced by A.
Protein change: p.Ala4070Thr; replaces alanine 4070 with threonine.
Molecular consequence: missense variant.
Genome position (GRCh38, 1-based): chr2:151,609,931, C>T on the plus strand (G>A on the coding strand, the complement: NEB is on the minus strand). VCF-style: chr2-151609931-C-T. GRCh37 (hg19) VCF-style: chr2-152466445-C-T.
Other names: c.12208G>A, p.Ala4070Thr (NM_001164507.2, NM_001271208.2); c.11479G>A, p.Ala3827Thr (NM_004543.5); short protein forms A3827T, A4070T.
Identifiers: ClinVar variation 5041522 (VCV005041522.1).

ClinVar aggregate classification (germline): Uncertain significance (1 of 4 stars; one submission).

Submission:

CeGaT Center for Human Genetics Tuebingen
Classification: Uncertain significance. Last evaluated: 2026-09-01. Review status: criteria provided, single submitter. Criteria: CeGaT Center For Human Genetics Tuebingen Variant Classification Criteria Version 2. Collection method: clinical testing. Allele origin: germline. Affected: yes. Observed: 1 variant allele.
Comment: NEB: PM2